The following is an entry in ClinVar:

ClinVar aggregate classification (germline): Pathogenic (1 of 4 stars; one submission).

Conditions:
Very long chain acyl-CoA dehydrogenase deficiency (ACADVLD). Also called: VLCAD Deficiency; Very Long-Chain Acyl-Coenzyme A Dehydrogenase Deficiency. Identifiers: Orphanet 26793, MedGen C3887523, MONDO:0008723, OMIM 201475.

Submission:

Labcorp Genetics (formerly Invitae), Labcorp
Classification: Pathogenic for Very long chain acyl-CoA dehydrogenase deficiency. Last evaluated: 2022-10-28. Review status: criteria provided, single submitter. Criteria: Invitae Variant Classification Sherloc (09022015). Collection method: clinical testing. Allele origin: germline.
Comment: For these reasons, this variant has been classified as Pathogenic. This sequence change affects an acceptor splice site in intron 8 of the ACADVL gene. It is expected to disrupt RNA splicing. Variants that disrupt the donor or acceptor splice site typically lead to a loss of protein function (PMID: 16199547), and loss-of-function variants in ACADVL are known to be pathogenic (PMID: 9973285, 11590124). This variant is not present in population databases (gnomAD no frequency). Disruption of this splice site has been observed in individuals with VLCAD deficiency (PMID: 10077518, 10738914, 17999356, 27246109). Algorithms developed to predict the effect of sequence changes on RNA splicing suggest that this variant may disrupt the consensus splice site.

Literature cited by the submitters: PubMed 16199547; PubMed 9973285; PubMed 11590124; PubMed 10077518; PubMed 10738914; PubMed 17999356; PubMed 27246109.

NM_000018.4(ACADVL):c.753-1G>A

Gene: ACADVL (acyl-CoA dehydrogenase very long chain; plus strand). Cytogenetic location: 17p13.1.
Variant type: single nucleotide variant.
Coding change: c.753-1G>A on transcript NM_000018.4 (MANE Select); the canonical splice acceptor site of the intron before coding-DNA position 753, G replaced by A.
Molecular consequence: splice acceptor variant.
Genome position (GRCh38, 1-based): chr17:7,222,176, G>A. VCF-style: chr17-7222176-G-A. GRCh37 (hg19) VCF-style: chr17-7125495-G-A.
Other names: c.822-1G>A (NM_001270447.2); c.525-1G>A (NM_001270448.2); c.687-1G>A (NM_001033859.3).
Identifiers: ClinVar variation 2115122 (VCV002115122.4), dbSNP rs2508302724, ClinGen allele CA397723613.